The following is an entry in ClinVar:

NM_012079.6(DGAT1):c.778_788del (p.Thr260fs)

Gene: DGAT1 (diacylglycerol O-acyltransferase 1; minus strand). Cytogenetic location: 8q24.3.
Variant type: Deletion.
Coding change: c.778_788del on transcript NM_012079.6 (MANE Select); coding-DNA positions 778 to 788, 11 bases deleted (ACCTTGTGCTA).
Protein change: p.Thr260fs; shifts the reading frame from threonine 260.
Molecular consequence: frameshift variant.
Genome position (GRCh38, 1-based): chr8:144,317,981-144,317,991, TAGCACAAGGT deleted on the plus strand (ACCTTGTGCTA on the coding strand, the reverse complement: DGAT1 is on the minus strand). VCF-style (leftmost placement, unchanged base first): chr8-144317980-GTAGCACAAGGT-G. GRCh37 (hg19) VCF-style: chr8-145541643-GTAGCACAAGGT-G.
Other names: short protein forms T260fs.
Identifiers: ClinVar variation 2771570 (VCV002771570.3), dbSNP rs2488952512, ClinGen allele CA2697550201.
Genomic context (GRCh38, chr8:144,317,980, plus strand): 5'-AAGGATCCGTCGCAGCAGAAAGCGCTTCCGGATGCGGGGAGAGCGGGGAAAGTTGAGCTC[GTAGCACAAGGT>G]GGGGGCGAAGAGGAAGTAGTAGAGATCTGGAATGGGAATGGGGGGTTGGTACCAGAACAG-3'

ClinVar aggregate classification (germline): Pathogenic (1 of 4 stars; one submission).

Submission:

Labcorp Genetics (formerly Invitae), Labcorp
Classification: Pathogenic. Last evaluated: 2023-10-24. Review status: criteria provided, single submitter. Criteria: Invitae Variant Classification Sherloc (09022015). Collection method: clinical testing. Allele origin: germline.
Comment: This sequence change creates a premature translational stop signal (p.Thr260Argfs*21) in the DGAT1 gene. It is expected to result in an absent or disrupted protein product. Loss-of-function variants in DGAT1 are known to be pathogenic (PMID: 29604290). This variant is not present in population databases (gnomAD no frequency). This variant has not been reported in the literature in individuals affected with DGAT1-related conditions. For these reasons, this variant has been classified as Pathogenic.

Literature cited by the submitters: PubMed 29604290.